The following is an entry in ClinVar:

ClinVar aggregate classification (germline): Benign. Review status: criteria provided, multiple submitters, no conflicts (2 of 4 stars). 2 submissions from 2 submitters: Benign (2). Last evaluated 2018-06-19.

Allele frequency attached by ClinVar (database versions not stated): 1000 Genomes Project 0.08307; 1000 Genomes Project 30x 0.08495; gnomAD exomes 0.09852; TOPMed 0.10088; gnomAD 0.10616 and 0.10944.
gnomAD v4.1: 114,750 of 1,152,342 alleles (10%); highest among the groups gnomAD compares: African/African-American, 11%; 6,401 homozygotes.

Submissions (2):

GeneDx
Classification: Benign. Last evaluated: 2018-06-19. Review status: criteria provided, single submitter. Criteria: GeneDx Variant Classification (06012015). Collection method: clinical testing. Allele origin: germline. Affected: yes.
Comment: This variant is considered likely benign or benign based on one or more of the following criteria: it is a conservative change, it occurs at a poorly conserved position in the protein, it is predicted to be benign by multiple in silico algorithms, and/or has population frequency not consistent with disease.

Breakthrough Genomics
Classification: Benign. Review status: criteria provided, single submitter. Criteria: ACMG Guidelines, 2015. Collection method: not provided. Allele origin: germline. Inheritance: Autosomal recessive inheritance. Affected: yes.

NM_020549.5(CHAT):c.287-304C>A

Gene: CHAT (choline O-acetyltransferase; plus strand). Cytogenetic location: 10q11.23.
Variant type: single nucleotide variant.
Coding change: c.287-304C>A on transcript NM_020549.5 (MANE Select); 304 bases into the intron before coding-DNA position 287, C replaced by A.
Molecular consequence: intron variant.
Genome position (GRCh38, 1-based): chr10:49,616,198, C>A. VCF-style: chr10-49616198-C-A. GRCh37 (hg19) VCF-style: chr10-50824244-C-A.
Other names: c.-68-304C>A (NM_020984.4, NM_020985.4, NM_020986.4 and 1 more transcripts); c.-69+106C>A (NM_001142934.2); c.40+106C>A (NM_001142933.2).
Identifiers: ClinVar variation 681272 (VCV000681272.2), dbSNP rs11101182, ClinGen allele CA206623727.
Genomic context (GRCh38, chr10:49,616,198, plus strand): 5'-TTGGCAAAGCACTTATCTATTGGGTTCCAGGCAGGAACAAAGGCAGCACTCTGCCAGCAA[C>A]CCCTGGTGGATTTGGATTGCCCCAGGGTGGTCAGCTGGCCTTGGGTGACAACAGACTCAT-3'